The following is an entry in ClinVar:

ClinVar aggregate classification (germline): Likely benign (1 of 4 stars; one submission).

Allele frequency attached by ClinVar (database versions not stated): gnomAD exomes below 0.00001 and 0.00001.
gnomAD v4.1: 6 of 1,176,574 alleles (0.00051%); highest among the groups gnomAD compares: Non-Finnish European, 0.00076%; no homozygotes.

Submission:

GeneDx
Classification: Likely benign. Last evaluated: 2016-06-17. Review status: criteria provided, single submitter. Criteria: GeneDx Variant Classification (06012015). Collection method: clinical testing. Allele origin: germline. Affected: yes.
Comment: This variant is considered likely benign or benign based on one or more of the following criteria: it is a conservative change, it occurs at a poorly conserved position in the protein, it is predicted to be benign by multiple in silico algorithms, and/or has population frequency not consistent with disease.

NM_033337.3(CAV3):c.-48C>T

Gene: CAV3 (caveolin 3; plus strand). Cytogenetic location: 3p25.3.
Variant type: single nucleotide variant.
Coding change: c.-48C>T on transcript NM_033337.3 (MANE Select); 48 bases upstream of the start codon, C replaced by T.
Molecular consequence: 5 prime UTR variant.
Genome position (GRCh38, 1-based): chr3:8,733,829, C>T. VCF-style: chr3-8733829-C-T. GRCh37 (hg19) VCF-style: chr3-8775515-C-T.
Other names: c.-48C>T (NM_001234.5).
Identifiers: ClinVar variation 386097 (VCV000386097.1), dbSNP rs201062505, ClinGen allele CA16604534.